The following is an entry in ClinVar:

ClinVar aggregate classification (germline): Uncertain significance (1 of 4 stars; one submission).

Conditions:
Emery-Dreifuss muscular dystrophy 4, autosomal dominant (EDMD4). Also called: EMERY-DREIFUSS MUSCULAR DYSTROPHY 4 WITH VARIABLE FEATURES. Identifiers: Orphanet 261, MedGen C2751807, MONDO:0013071, OMIM 612998.
Autosomal recessive ataxia, Beauce type. Also called: SYNE1-Related Autosomal Recessive Cerebellar Ataxia; Spinocerebellar ataxia, autosomal recessive 8; ATAXIA, RECESSIVE, OF BEAUCE; SYNE1 Deficiency. Identifiers: Orphanet 88644, MedGen C1853116, MONDO:0012549, OMIM 610743.

Allele frequency attached by ClinVar (database versions not stated): gnomAD exomes below 0.00001; gnomAD 0.00001; TOPMed 0.00001.
gnomAD v4.1: 4 of 1,614,024 alleles (0.00025%); highest among the groups gnomAD compares: Non-Finnish European, 0.00034%; no homozygotes.

Submission:

Labcorp Genetics (formerly Invitae), Labcorp
Classification: Uncertain significance for Emery-Dreifuss muscular dystrophy 4, autosomal dominant; Autosomal recessive ataxia, Beauce type. Last evaluated: 2023-04-12. Review status: criteria provided, single submitter. Criteria: Invitae Variant Classification Sherloc (09022015). Collection method: clinical testing. Allele origin: germline.
Comment: This sequence change replaces methionine, which is neutral and non-polar, with threonine, which is neutral and polar, at codon 3202 of the SYNE1 protein (p.Met3202Thr). This variant is not present in population databases (gnomAD no frequency). In summary, the available evidence is currently insufficient to determine the role of this variant in disease. Therefore, it has been classified as a Variant of Uncertain Significance. Algorithms developed to predict the effect of missense changes on protein structure and function output the following: SIFT: "Not Available"; PolyPhen-2: "Benign"; Align-GVGD: "Not Available". The threonine amino acid residue is found in multiple mammalian species, which suggests that this missense change does not adversely affect protein function. ClinVar contains an entry for this variant (Variation ID: 566566). This variant has not been reported in the literature in individuals affected with SYNE1-related conditions.

NM_182961.4(SYNE1):c.9584T>C (p.Met3195Thr)

Gene: SYNE1 (spectrin repeat containing nuclear envelope protein 1; minus strand). Cytogenetic location: 6q25.2.
Variant type: single nucleotide variant.
Coding change: c.9584T>C on transcript NM_182961.4 (MANE Select); coding-DNA position 9584, T replaced by C.
Protein change: p.Met3195Thr; replaces methionine 3195 with threonine.
Molecular consequence: missense variant.
Genome position (GRCh38, 1-based): chr6:152,369,538, A>G on the plus strand (T>C on the coding strand, the complement: SYNE1 is on the minus strand). VCF-style: chr6-152369538-A-G. GRCh37 (hg19) VCF-style: chr6-152690673-A-G.
Other names: c.9605T>C, p.Met3202Thr (NM_033071.5); short protein forms M3202T, M3195T.
Identifiers: ClinVar variation 566566 (VCV000566566.10), dbSNP rs1398398021, ClinGen allele CA366138403.